The following is an entry in ClinVar:

ClinVar aggregate classification (germline): Uncertain significance (1 of 4 stars; one submission).

Submission:

Labcorp Genetics (formerly Invitae), Labcorp
Classification: Uncertain significance. Last evaluated: 2022-08-10. Review status: criteria provided, single submitter. Criteria: Invitae Variant Classification Sherloc (09022015). Collection method: clinical testing. Allele origin: germline.
Comment: In summary, the available evidence is currently insufficient to determine the role of this variant in disease. Therefore, it has been classified as a Variant of Uncertain Significance. Algorithms developed to predict the effect of missense changes on protein structure and function (SIFT, PolyPhen-2, Align-GVGD) all suggest that this variant is likely to be tolerated. This variant has not been reported in the literature in individuals affected with NACC1-related conditions. This variant is not present in population databases (gnomAD no frequency). This sequence change replaces aspartic acid, which is acidic and polar, with glycine, which is neutral and non-polar, at codon 408 of the NACC1 protein (p.Asp408Gly).

NM_052876.4(NACC1):c.1223A>G (p.Asp408Gly)

Gene: NACC1 (nucleus accumbens associated 1; plus strand). Cytogenetic location: 19p13.13.
Variant type: single nucleotide variant.
Coding change: c.1223A>G on transcript NM_052876.4 (MANE Select); coding-DNA position 1223, A replaced by G.
Protein change: p.Asp408Gly; replaces aspartic acid 408 with glycine.
Molecular consequence: missense variant.
Genome position (GRCh38, 1-based): chr19:13,137,373, A>G. VCF-style: chr19-13137373-A-G. GRCh37 (hg19) VCF-style: chr19-13248187-A-G.
Other names: short protein forms D408G.
Identifiers: ClinVar variation 2051954 (VCV002051954.4), dbSNP rs2145625502, ClinGen allele CA404329371.